The following is an entry in ClinVar:

NM_000204.5(CFI):c.1283A>G (p.Asn428Ser)

Gene: CFI (complement factor I; minus strand). Cytogenetic location: 4q25.
Variant type: single nucleotide variant.
Coding change: c.1283A>G on transcript NM_000204.5 (MANE Select); coding-DNA position 1283, A replaced by G.
Protein change: p.Asn428Ser; replaces asparagine 428 with serine.
Molecular consequence: missense variant. On other transcripts: non-coding transcript variant (2).
Genome position (GRCh38, 1-based): chr4:109,746,368, T>C on the plus strand (A>G on the coding strand, the complement: CFI is on the minus strand). VCF-style: chr4-109746368-T-C. GRCh37 (hg19) VCF-style: chr4-110667524-T-C.
Other names: c.1307A>G, p.Asn436Ser (NM_001318057.2, NM_001375278.1); c.1262A>G, p.Asn421Ser (NM_001331035.2, NM_001375280.1, NM_001375282.1); c.1283A>G, p.Asn428Ser (NM_001375279.1, NM_001375281.1); c.1226A>G, p.Asn409Ser (NM_001375283.1); c.674A>G, p.Asn225Ser (NM_001375284.1); short protein forms N436S, N409S, N421S, N225S, N428S.
Identifiers: ClinVar variation 2978731 (VCV002978731.5), dbSNP rs780858107, ClinGen allele CA3041955.

ClinVar aggregate classification (germline): Conflicting classifications of pathogenicity. Review status: criteria provided, conflicting classifications (1 of 4 stars). 2 submissions from 2 submitters: Likely pathogenic (1); Uncertain significance (1). Last evaluated 2026-09-17.

Conditions:
C3 glomerulonephritis. Also called: Nephropathy due to CFHR5 Deficiency; C3 GLOMERULOPATHY 3. Identifiers: Orphanet 329931, MedGen C4055342, MONDO:0013892, OMIM 614809.

Allele frequency attached by ClinVar (database versions not stated): gnomAD exomes below 0.00001; ExAC 0.00001.
gnomAD v4.1: 5 of 1,614,198 alleles (0.00031%); highest among the groups gnomAD compares: Non-Finnish European, 0.00034%; no homozygotes.

Submissions (2):

Genomenon, Inc
Classification: Likely pathogenic for C3 glomerulonephritis. Last evaluated: 2026-09-17. Review status: criteria provided, single submitter. Criteria: Genomenon Sequence Variant Interpretation Standards - Updated. Collection method: curation. Allele origin: germline. Affected: yes.
Comment: CFI p.Asn428Ser (c.1283A>G) is a missense variant that changes the amino acid at codon 428 from Asparagine to Serine. This variant has been observed in at least one proband affected with C3 glomerulonephritis (PMID:35619721). This variant is located in a mutational hotspot and/or important functional domain. It is absent or not present at a significant frequency in gnomAD. In silico models predict that this variant is possibly or probably damaging. In conclusion, we classify CFI p.Asn428Ser (c.1283A>G) as a likely pathogenic variant.

Labcorp Genetics (formerly Invitae), Labcorp
Classification: Uncertain significance. Last evaluated: 2023-08-07. Review status: criteria provided, single submitter. Criteria: Invitae Variant Classification Sherloc (09022015). Collection method: clinical testing. Allele origin: germline.
Comment: This sequence change replaces asparagine, which is neutral and polar, with serine, which is neutral and polar, at codon 428 of the CFI protein (p.Asn428Ser). In summary, the available evidence is currently insufficient to determine the role of this variant in disease. Therefore, it has been classified as a Variant of Uncertain Significance. Advanced modeling of protein sequence and biophysical properties (such as structural, functional, and spatial information, amino acid conservation, physicochemical variation, residue mobility, and thermodynamic stability) performed at Invitae indicates that this missense variant is expected to disrupt CFI protein function. This variant has not been reported in the literature in individuals affected with CFI-related conditions. This variant is present in population databases (rs780858107, gnomAD 0.0009%).

Literature cited by the submitters: PubMed 35619721 (cited by Genomenon, Inc).